The following is an entry in ClinVar:

ClinVar aggregate classification (germline): Uncertain significance (1 of 4 stars; one submission).

Conditions:
Familial melanoma. Also called: Hereditary melanoma; Hereditary cutaneous melanoma. Identifiers: Orphanet 618, MedGen C1512419, MONDO:0018961.

Submission:

Labcorp Genetics (formerly Invitae), Labcorp
Classification: Uncertain significance for Familial melanoma. Last evaluated: 2023-12-12. Review status: criteria provided, single submitter. Criteria: Invitae Variant Classification Sherloc (09022015). Collection method: clinical testing. Allele origin: germline.
Comment: This sequence change falls in intron 1 of the CDKN2A (p16INK4a) gene. It does not directly change the encoded amino acid sequence of the CDKN2A (p16INK4a) protein. It affects a nucleotide within the consensus splice site. This variant is not present in population databases (gnomAD no frequency). This variant has not been reported in the literature in individuals affected with CDKN2A (p16INK4a)-related conditions. Variants that disrupt the consensus splice site are a relatively common cause of aberrant splicing (PMID: 17576681, 9536098). Algorithms developed to predict the effect of sequence changes on RNA splicing suggest that this variant is not likely to affect RNA splicing. In summary, the available evidence is currently insufficient to determine the role of this variant in disease. Therefore, it has been classified as a Variant of Uncertain Significance.

Literature cited by the submitters: PubMed 17576681; PubMed 9536098.

NM_000077.5(CDKN2A):c.150+4G>C

Gene: CDKN2A (cyclin dependent kinase inhibitor 2A; minus strand). Cytogenetic location: 9p21.3.
Variant type: single nucleotide variant.
Coding change: c.150+4G>C on transcript NM_000077.5 (MANE Select); 4 bases into the intron after coding-DNA position 150, G replaced by C.
Molecular consequence: intron variant. On other transcripts: missense variant (1).
Genome position (GRCh38, 1-based): chr9:21,974,674, C>G on the plus strand (G>C on the coding strand, the complement: CDKN2A is on the minus strand). VCF-style: chr9-21974674-C-G. GRCh37 (hg19) VCF-style: chr9-21974673-C-G.
Other names: c.154G>C, p.Gly52Arg (NM_058197.5); c.-3-3466G>C (NM_001363763.2); c.194-3466G>C (NM_058195.4); c.150+4G>C (NM_001195132.2); short protein forms G52R.
Identifiers: ClinVar variation 2779854 (VCV002779854.3), dbSNP rs1563892453, ClinGen allele CA1139771855.